The following is an entry in ClinVar:

NM_022455.5(NSD1):c.6430G>A (p.Ala2144Thr)

Gene: NSD1 (nuclear receptor binding SET domain protein 1; plus strand). Cytogenetic location: 5q35.3.
Variant type: single nucleotide variant.
Coding change: c.6430G>A on transcript NM_022455.5 (MANE Select); coding-DNA position 6430, G replaced by A.
Protein change: p.Ala2144Thr; replaces alanine 2144 with threonine.
Molecular consequence: missense variant.
Genome position (GRCh38, 1-based): chr5:177,292,125, G>A. VCF-style: chr5-177292125-G-A. GRCh37 (hg19) VCF-style: chr5-176719126-G-A.
Other names: c.5557G>A, p.Ala1853Thr (NM_172349.5, NM_001365684.2, NM_001409308.1); c.6430G>A, p.Ala2144Thr (NM_001409301.1, NM_001409302.1, NM_001409303.1); c.6010G>A, p.Ala2004Thr (NM_001409304.1); c.5677G>A, p.Ala1893Thr (NM_001409305.1); c.5668G>A, p.Ala1890Thr (NM_001409306.1, NM_001409307.1); c.5308G>A, p.Ala1770Thr (NM_001409309.1); short protein forms A1875T, A2144T, A1770T, A1853T, A1890T, A2004T, A1893T.
Identifiers: ClinVar variation 1311794 (VCV001311794.3), dbSNP rs761103348, ClinGen allele CA3577988.

ClinVar aggregate classification (germline): Uncertain significance (1 of 4 stars; one submission).

Allele frequency attached by ClinVar (database versions not stated): gnomAD exomes below 0.00001.
gnomAD v4.1: 1 of 1,614,082 alleles (0.000062%); highest among the groups gnomAD compares: Non-Finnish European, 0.000085%; no homozygotes.

Submission:

GeneDx
Classification: Uncertain significance. Last evaluated: 2026-07-17. Review status: criteria provided, single submitter. Criteria: GeneDx Variant Classification Process June 2021. Collection method: clinical testing. Allele origin: germline.
Comment: Not observed at significant frequency in large population cohorts (gnomAD); In silico analysis suggests that this missense variant does not alter protein structure/function; Has not been previously published as pathogenic or benign to our knowledge.